The following is an entry in ClinVar:

NM_001042492.3(NF1):c.3784T>G (p.Ser1262Ala)

Gene: NF1 (neurofibromin 1; plus strand). Cytogenetic location: 17q11.2.
Variant type: single nucleotide variant.
Coding change: c.3784T>G on transcript NM_001042492.3 (MANE Select); coding-DNA position 3784, T replaced by G.
Protein change: p.Ser1262Ala; replaces serine 1262 with alanine.
Molecular consequence: missense variant.
Genome position (GRCh38, 1-based): chr17:31,235,686, T>G. VCF-style: chr17-31235686-T-G. GRCh37 (hg19) VCF-style: chr17-29562704-T-G.
Other names: c.3784T>G, p.Ser1262Ala (NM_000267.4); short protein forms S1262A.
Identifiers: ClinVar variation 1020769 (VCV001020769.1), dbSNP rs2067187603, ClinGen allele CA398992596.
Genomic context (GRCh38, chr17:31,235,686, plus strand): 5'-GTTCTGGTTACTCTGTTTGATTCTCGGCATTTACTCTACCAACTGCTCTGGAACATGTTT[T>G]CTAAAGAAGTAGAATTGGCAGACTCCATGCAGACTCTCTTCCGAGGCAACAGCTTGGCCA-3'
Protein context (NP_001035957.1, residues 1252-1272): LLYQLLWNMF[Ser1262Ala]KEVELADSMQ

ClinVar aggregate classification (germline): Uncertain significance (1 of 4 stars; one submission).

Conditions:
Neurofibromatosis, type 1 (NF1). Also called: Peripheral type neurofibromatosis; Neurofibromatosis, type I; VON RECKLINGHAUSEN DISEASE; NEUROFIBROMATOSIS, TYPE I, SOMATIC. Identifiers: Orphanet 636, MedGen C0027831, MONDO:0018975, OMIM 162200. Disease mechanism: loss of function.

Submission:

Labcorp Genetics (formerly Invitae), Labcorp
Classification: Uncertain significance for Neurofibromatosis, type 1. Last evaluated: 2020-04-01. Review status: criteria provided, single submitter. Criteria: Invitae Variant Classification Sherloc (09022015). Collection method: clinical testing. Allele origin: germline.
Comment: This sequence change replaces serine with alanine at codon 1262 of the NF1 protein (p.Ser1262Ala). The serine residue is moderately conserved and there is a moderate physicochemical difference between serine and alanine. This variant is not present in population databases (ExAC no frequency). This variant has not been reported in the literature in individuals with NF1-related conditions. Algorithms developed to predict the effect of missense changes on protein structure and function are either unavailable or do not agree on the potential impact of this missense change (SIFT: Tolerated; PolyPhen-2: Possibly Damaging; Align-GVGD: Class C0). In summary, the available evidence is currently insufficient to determine the role of this variant in disease. Therefore, it has been classified as a Variant of Uncertain Significance.